The following is an entry in ClinVar:

NM_016203.4(PRKAG2):c.1420T>G (p.Ser474Ala)

Gene: PRKAG2 (protein kinase AMP-activated non-catalytic subunit gamma 2; minus strand). Cytogenetic location: 7q36.1.
Variant type: single nucleotide variant.
Coding change: c.1420T>G on transcript NM_016203.4 (MANE Select); coding-DNA position 1420, T replaced by G.
Protein change: p.Ser474Ala; replaces serine 474 with alanine.
Molecular consequence: missense variant.
Genome position (GRCh38, 1-based): chr7:151,565,363, A>C on the plus strand (T>G on the coding strand, the complement: PRKAG2 is on the minus strand). VCF-style: chr7-151565363-A-C. GRCh37 (hg19) VCF-style: chr7-151262449-A-C.
Other names: c.1288T>G, p.Ser430Ala (NM_001040633.2); c.1045T>G, p.Ser349Ala (NM_001304527.2); c.697T>G, p.Ser233Ala (NM_001304531.2, NM_024429.2); c.1048T>G, p.Ser350Ala (NM_001363698.2); short protein forms S349A, S430A, S474A, S233A, S350A.
Identifiers: ClinVar variation 864176 (VCV000864176.2), dbSNP rs1806007620, ClinGen allele CA370070801.

ClinVar aggregate classification (germline): Uncertain significance. Review status: criteria provided, multiple submitters, no conflicts (2 of 4 stars). 2 submissions from 2 submitters: Uncertain significance (2). Last evaluated 2023-03-06.

Conditions:
Lethal congenital glycogen storage disease of heart. Also called: GLYCOGEN STORAGE DISEASE OF HEART; PHOSPHORYLASE KINASE DEFICIENCY OF HEART. Identifiers: Orphanet 439854, MedGen C1849813, MONDO:0009867, OMIM 261740.

Submissions (2):

Blueprint Genetics
Classification: Uncertain significance. Last evaluated: 2023-03-06. Review status: criteria provided, single submitter. Criteria: ACMG Guidelines, 2015. Collection method: clinical testing. Allele origin: germline.

Labcorp Genetics (formerly Invitae), Labcorp
Classification: Uncertain significance for Glycogen storage disease of heart, lethal congenital. Last evaluated: 2019-05-17. Review status: criteria provided, single submitter. Criteria: Invitae Variant Classification Sherloc (09022015). Collection method: clinical testing. Allele origin: germline.
Comment: This sequence change replaces serine with alanine at codon 474 of the PRKAG2 protein (p.Ser474Ala). The serine residue is moderately conserved and there is a moderate physicochemical difference between serine and alanine. This variant is not present in population databases (ExAC no frequency). This variant has not been reported in the literature in individuals with PRKAG2-related conditions. Algorithms developed to predict the effect of missense changes on protein structure and function (SIFT, PolyPhen-2, Align-GVGD) all suggest that this variant is likely to be tolerated, but these predictions have not been confirmed by published functional studies and their clinical significance is uncertain. In summary, the available evidence is currently insufficient to determine the role of this variant in disease. Therefore, it has been classified as a Variant of Uncertain Significance.